The following is an entry in ClinVar:

ClinVar aggregate classification (germline): Benign. Review status: criteria provided, multiple submitters, no conflicts (2 of 4 stars). 13 submissions from 9 submitters: Benign (12). 1 of the submissions does not count toward it. Last evaluated 2026-02-03.

Conditions:
Inborn genetic diseases. Identifiers: MedGen C0950123, MeSH D030342.
Familial hemiplegic migraine. Identifiers: MedGen C0338484, MONDO:0000700.
Developmental and epileptic encephalopathy 98. Identifiers: MedGen C5562017, MONDO:0030472, OMIM 619605.
Fetal akinesia, respiratory insufficiency, microcephaly, polymicrogyria, and dysmorphic facies. Identifiers: MedGen C5562015, MONDO:0859204, OMIM 619602.
Migraine, familial hemiplegic, 2. Identifiers: Orphanet 569, MedGen C1865322, MONDO:0011232, OMIM 602481.
Alternating hemiplegia of childhood 1 (AHC1). Identifiers: Orphanet 2131, MedGen C3549447, MONDO:0007087, OMIM 104290.

Allele frequency attached by ClinVar (database versions not stated): gnomAD exomes 0.00701; ExAC 0.00814; 1000 Genomes Project 0.02396; 1000 Genomes Project 30x 0.02530; gnomAD 0.02590 and 0.02789; ESP Exome Variant Server 0.02837; TOPMed 0.02971.
gnomAD v4.1: 8,009 of 1,614,046 alleles (0.5%); highest among the groups gnomAD compares: African/African-American, 8.9%; 368 homozygotes.

Submissions (13):

Labcorp Genetics (formerly Invitae), Labcorp
Classification: Benign for Familial hemiplegic migraine. Last evaluated: 2026-02-03. Review status: criteria provided, single submitter. Criteria: Invitae Variant Classification Sherloc (09022015). Collection method: clinical testing. Allele origin: germline.

Mayo Clinic Laboratories, Mayo Clinic
Classification: Benign. Last evaluated: 2022-03-24. Review status: criteria provided, single submitter. Criteria: ACMG Guidelines, 2015. Collection method: clinical testing. Allele origin: germline. Observed: 32 variant alleles.

Genome-Nilou Lab
Classification: Benign for Alternating hemiplegia of childhood 1. Last evaluated: 2021-12-05. Review status: criteria provided, single submitter. Criteria: ACMG Guidelines, 2015. Collection method: clinical testing. Allele origin: germline. Affected: no.

Genome-Nilou Lab
Classification: Benign for Developmental and epileptic encephalopathy 98. Last evaluated: 2021-12-05. Review status: criteria provided, single submitter. Criteria: ACMG Guidelines, 2015. Collection method: clinical testing. Allele origin: germline. Affected: no.

Genome-Nilou Lab
Classification: Benign for Fetal akinesia, respiratory insufficiency, microcephaly, polymicrogyria, and dysmorphic facies. Last evaluated: 2021-12-05. Review status: criteria provided, single submitter. Criteria: ACMG Guidelines, 2015. Collection method: clinical testing. Allele origin: germline. Affected: no.

Genome-Nilou Lab
Classification: Benign for Migraine, familial hemiplegic, 2. Last evaluated: 2021-12-05. Review status: criteria provided, single submitter. Criteria: ACMG Guidelines, 2015. Collection method: clinical testing. Allele origin: germline. Affected: no.

Illumina Laboratory Services, Illumina
Classification: Benign for Alternating hemiplegia of childhood 1. Last evaluated: 2018-01-13. Review status: criteria provided, single submitter. Criteria: ICSL Variant Classification Criteria 13 December 2019. Collection method: clinical testing. Allele origin: germline.
Comment: This variant was observed in the ICSL laboratory as part of a predisposition screen in an ostensibly healthy population. It had not been previously curated by ICSL or reported in the Human Gene Mutation Database (HGMD: prior to June 1st, 2018), and was therefore a candidate for classification through an automated scoring system. Utilizing variant allele frequency, disease prevalence and penetrance estimates, and inheritance mode, an automated score was calculated to assess if this variant is too frequent to cause the disease. Based on the score and internal cut-off values, a variant classified as benign is not then subjected to further curation. The score for this variant resulted in a classification of benign for this disease.

Illumina Laboratory Services, Illumina
Classification: Benign for Migraine, familial hemiplegic, 2. Last evaluated: 2018-01-13. Review status: criteria provided, single submitter. Criteria: ICSL Variant Classification Criteria 13 December 2019. Collection method: clinical testing. Allele origin: germline.
Comment: the same text as in the submission from Illumina Laboratory Services, Illumina above.

Athena Diagnostics
Classification: Benign. Last evaluated: 2017-08-15. Review status: criteria provided, single submitter. Criteria: Athena Diagnostics Criteria. Collection method: clinical testing. Allele origin: germline.

Ambry Genetics
Classification: Benign for Inborn genetic diseases. Last evaluated: 2016-03-18. Review status: criteria provided, single submitter. Criteria: Ambry Variant Classification Scheme 2023. Collection method: clinical testing. Allele origin: germline.

GeneDx
Classification: Benign. Last evaluated: 2015-03-03. Review status: criteria provided, single submitter. Criteria: GeneDx Variant Classification Process June 2021. Collection method: clinical testing. Allele origin: germline. Affected: yes.

Breakthrough Genomics
Classification: Benign. Review status: criteria provided, single submitter. Criteria: ACMG Guidelines, 2015. Collection method: not provided. Allele origin: germline. Inheritance: Autosomal recessive inheritance. Affected: yes.

Genetic Services Laboratory, University of Chicago
Classification: Likely benign for AllHighlyPenetrant. Review status: no assertion criteria provided. Collection method: clinical testing. Allele origin: germline. Inheritance: Autosomal dominant inheritance. Not counted in ClinVar's aggregate classification.
Comment: Likely benign based on allele frequency in 1000 Genomes Project or ESP global frequency and its presence in a patient with a rare or unrelated disease phenotype. NOT Sanger confirmed.

NM_000702.4(ATP1A2):c.2961C>T (p.Cys987=)

Gene: ATP1A2 (ATPase Na+/K+ transporting subunit alpha 2; plus strand). Cytogenetic location: 1q23.2.
Variant type: single nucleotide variant.
Coding change: c.2961C>T on transcript NM_000702.4 (MANE Select); coding-DNA position 2961, C replaced by T.
Protein change: p.Cys987=; no amino-acid change (cysteine 987 retained).
Molecular consequence: synonymous variant.
Genome position (GRCh38, 1-based): chr1:160,139,911, C>T. VCF-style: chr1-160139911-C-T. GRCh37 (hg19) VCF-style: chr1-160109701-C-T.
Other names: p.Cys987=.
Identifiers: ClinVar variation 128484 (VCV000128484.27), dbSNP rs74123254, ClinGen allele CA151974.